The following is an entry in ClinVar:

ClinVar aggregate classification (germline): Uncertain significance (1 of 4 stars; one submission).

Conditions:
Inborn genetic diseases. Identifiers: MedGen C0950123, MeSH D030342.

gnomAD v4.1: 3 of 1,613,834 alleles (0.00019%); highest among the groups gnomAD compares: Non-Finnish European, 0.00025%; no homozygotes.

Submission:

Ambry Genetics
Classification: Uncertain significance for Inborn genetic diseases. Last evaluated: 2026-04-22. Review status: criteria provided, single submitter. Criteria: Ambry Variant Classification Scheme 2023. Collection method: clinical testing. Allele origin: germline.
Comment: The p.K997R variant (also known as c.2990A>G), located in coding exon 1 of the SAMD9 gene, results from an A to G substitution at nucleotide position 2990. The lysine at codon 997 is replaced by arginine, an amino acid with highly similar properties. This amino acid position is conserved. In addition, this alteration is predicted to be tolerated by in silico analysis. Based on the available evidence, the clinical significance of this variant remains unclear.

NM_017654.4(SAMD9):c.2990A>G (p.Lys997Arg)

Gene: SAMD9 (sterile alpha motif domain containing 9; minus strand). Cytogenetic location: 7q21.2.
Variant type: single nucleotide variant.
Coding change: c.2990A>G on transcript NM_017654.4 (MANE Select); coding-DNA position 2990, A replaced by G.
Protein change: p.Lys997Arg; replaces lysine 997 with arginine.
Molecular consequence: missense variant.
Genome position (GRCh38, 1-based): chr7:93,103,108, T>C on the plus strand (A>G on the coding strand, the complement: SAMD9 is on the minus strand). VCF-style: chr7-93103108-T-C. GRCh37 (hg19) VCF-style: chr7-92732421-T-C.
Other names: c.2990A>G, p.Lys997Arg (NM_001193307.2); short protein forms K997R.
Identifiers: ClinVar variation 4863827 (VCV004863827.1).